The following is an entry in ClinVar:

NM_001318510.2(ACSL4):c.96C>G (p.Ile32Met)

Gene: ACSL4 (acyl-CoA synthetase long chain family member 4; minus strand). Cytogenetic location: Xq23.
Variant type: single nucleotide variant.
Coding change: c.96C>G on transcript NM_001318510.2 (MANE Select); coding-DNA position 96, C replaced by G.
Protein change: p.Ile32Met; replaces isoleucine 32 with methionine.
Molecular consequence: missense variant.
Genome position (GRCh38, 1-based): chrX:109,683,268, G>C on the plus strand (C>G on the coding strand, the complement: ACSL4 is on the minus strand). VCF-style: chrX-109683268-G-C. GRCh37 (hg19) VCF-style: chrX-108926497-G-C.
Other names: c.219C>G, p.Ile73Met (NM_001318509.2, NM_022977.3); c.96C>G, p.Ile32Met (NM_004458.3); short protein forms I32M, I73M.
Identifiers: ClinVar variation 1804263 (VCV001804263.1), dbSNP rs1423350391, ClinGen allele CA414219149.
Genomic context (GRCh38, chrX:109,683,268, plus strand): 5'-CTTCTTCCCAAACTTGGATACAGCATGGTCAAATAATTTATCCAGAGTATCTGCTCCAGG[G>C]ATGTCTATTACAGCTAGTGAGTCGAAGTGTGTGACAGAGCGATATGGACTTCCAGGTTTG-3'
Protein context (NP_001305439.1, residues 22-42): THFDSLAVID[Ile32Met]PGADTLDKLF

ClinVar aggregate classification (germline): Uncertain significance (1 of 4 stars; one submission).

Submission:

GeneDx
Classification: Uncertain significance. Last evaluated: 2022-06-19. Review status: criteria provided, single submitter. Criteria: GeneDx Variant Classification Process June 2021. Collection method: clinical testing. Allele origin: germline. Affected: yes.
Comment: Not observed at significant frequency in large population cohorts (gnomAD); In silico analysis supports that this missense variant does not alter protein structure/function; Has not been previously published as pathogenic or benign to our knowledge